The following is an entry in ClinVar:

ClinVar aggregate classification (germline): Uncertain significance (1 of 4 stars; one submission).

Conditions:
Hereditary cancer-predisposing syndrome. Also called: Hereditary Cancer Syndrome; Hereditary neoplastic syndrome; Tumor predisposition; Neoplastic Syndromes, Hereditary. Identifiers: Orphanet 140162, MedGen C0027672, MeSH D009386, MONDO:0015356.

Allele frequency attached by ClinVar (database versions not stated): gnomAD 0.00001.
gnomAD v4.1: 2 of 1,614,106 alleles (0.00012%); highest among the groups gnomAD compares: Admixed American, 0.0017%; no homozygotes.

Submission:

Ambry Genetics
Classification: Uncertain significance for Hereditary cancer-predisposing syndrome. Last evaluated: 2022-03-08. Review status: criteria provided, single submitter. Criteria: Ambry Variant Classification Scheme 2023. Collection method: clinical testing. Allele origin: germline.
Comment: The p.Q82R variant (also known as c.245A>G), located in coding exon 4 of the MAX gene, results from an A to G substitution at nucleotide position 245. The glutamine at codon 82 is replaced by arginine, an amino acid with highly similar properties. This amino acid position is conserved. In addition, this alteration is predicted to be deleterious by in silico analysis. Since supporting evidence is limited at this time, the clinical significance of this alteration remains unclear.

NM_002382.5(MAX):c.245A>G (p.Gln82Arg)

Gene: MAX (MYC associated transcriptional regulator X; minus strand). Cytogenetic location: 14q23.3.
Variant type: single nucleotide variant.
Coding change: c.245A>G on transcript NM_002382.5 (MANE Select); coding-DNA position 245, A replaced by G.
Protein change: p.Gln82Arg; replaces glutamine 82 with arginine.
Molecular consequence: missense variant. On other transcripts: 5 prime UTR variant (1), intron variant (2).
Genome position (GRCh38, 1-based): chr14:65,077,963, T>C on the plus strand (A>G on the coding strand, the complement: MAX is on the minus strand). VCF-style: chr14-65077963-T-C. GRCh37 (hg19) VCF-style: chr14-65544681-T-C.
Other names: c.-30A>G (NM_001320415.2, NM_001407105.1, NM_001407106.1 and 1 more transcripts); c.245A>G, p.Gln82Arg (NM_001407094.1, NM_001407096.1, NM_001407097.1 and 3 more transcripts); c.218A>G, p.Gln73Arg (NM_001407095.1, NM_001407099.1, NM_001407100.1 and 6 more transcripts); c.137A>G, p.Gln46Arg (NM_001407098.1); c.-123A>G (NM_001407111.1, NM_001407112.1); c.144+15745A>G (NM_001271069.2); c.171+15745A>G (NM_197957.4); short protein forms Q82R, Q46R, Q73R.
Identifiers: ClinVar variation 1791599 (VCV001791599.2), dbSNP rs2063104275, ClinGen allele CA390035601.
Genomic context (GRCh38, chr14:65,077,963, plus strand): 5'-GGGTGCTCACCTTGCTGCTCCAGAAGAGCATTCTGCCGCTTGAGGTCGTCAATATCTTGC[T>C]GGTGTGTGTGGTTTTTCCTTCGCATATACTGGATATATTCTGTGGCTTTGTCTAGGATTT-3'
Protein context (NP_002373.3, residues 72-92): QYMRRKNHTH[Gln82Arg]QDIDDLKRQN